The following is an entry in ClinVar:

NM_000435.3(NOTCH3):c.557C>T (p.Pro186Leu)

Gene: NOTCH3 (notch receptor 3; minus strand). Cytogenetic location: 19p13.12.
Variant type: single nucleotide variant.
Coding change: c.557C>T on transcript NM_000435.3 (MANE Select); coding-DNA position 557, C replaced by T.
Protein change: p.Pro186Leu; replaces proline 186 with leucine.
Molecular consequence: missense variant.
Genome position (GRCh38, 1-based): chr19:15,192,082, G>A on the plus strand (C>T on the coding strand, the complement: NOTCH3 is on the minus strand). VCF-style: chr19-15192082-G-A. GRCh37 (hg19) VCF-style: chr19-15302893-G-A.
Other names: short protein forms P186L.
Identifiers: ClinVar variation 1806508 (VCV001806508.2), dbSNP rs1396414413, ClinGen allele CA404533572.

ClinVar aggregate classification (germline): Uncertain significance. Review status: criteria provided, multiple submitters, no conflicts (2 of 4 stars). 2 submissions from 2 submitters: Uncertain significance (2). Last evaluated 2022-06-21.

Allele frequency attached by ClinVar (database versions not stated): TOPMed below 0.00001.

Submissions (2):

GeneDx
Classification: Uncertain significance. Last evaluated: 2022-06-21. Review status: criteria provided, single submitter. Criteria: GeneDx Variant Classification Process June 2021. Collection method: clinical testing. Allele origin: germline. Affected: yes.
Comment: Not observed at significant frequency in large population cohorts (gnomAD); In silico analysis supports that this missense variant has a deleterious effect on protein structure/function; Has not been previously published as pathogenic or benign to our knowledge

Blueprint Genetics
Classification: Uncertain significance. Last evaluated: 2018-05-21. Review status: criteria provided, single submitter. Criteria: ACMG Guidelines, 2015. Collection method: clinical testing. Allele origin: germline.